The following is an entry in ClinVar:

NM_000701.8(ATP1A1):c.3062C>T (p.Thr1021Ile)

Genes: ATP1A1 (ATPase Na+/K+ transporting subunit alpha 1; plus strand), ATP1A1-AS1 (ATP1A1 antisense RNA 1; minus strand). Cytogenetic location: 1p13.1.
Variant type: single nucleotide variant.
Coding change: c.3062C>T on transcript NM_000701.8 (MANE Select); coding-DNA position 3062, C replaced by T.
Protein change: p.Thr1021Ile; replaces threonine 1021 with isoleucine.
Molecular consequence: missense variant.
Genome position (GRCh38, 1-based): chr1:116,404,434, C>T. VCF-style: chr1-116404434-C-T. GRCh37 (hg19) VCF-style: chr1-116947056-C-T.
Other names: c.3062C>T, p.Thr1021Ile (NM_001160233.2); c.2969C>T, p.Thr990Ile (NM_001160234.2); short protein forms T1021I, T990I.
Identifiers: ClinVar variation 3363863 (VCV003363863.1).
Genomic context (GRCh38, chr1:116,404,434, plus strand): 5'-ACTCACTGTAGTGTGTCTTGTCTGTCTCTTTGCCACCCACAGGCTGGGTGGAGAAGGAAA[C>T]CTACTATTAGCCCCCCGTCCTGCACGCCGTGGAGCATCAGGCCACACACTCTGCATCCGA-3'
Protein context (NP_000692.2, residues 1011-1023): RRPGGWVEKE[Thr1021Ile]YY

ClinVar aggregate classification (germline): Uncertain significance (1 of 4 stars; one submission).

Submission:

GeneDx
Classification: Uncertain significance. Last evaluated: 2023-11-01. Review status: criteria provided, single submitter. Criteria: GeneDx Variant Classification Process June 2021. Collection method: clinical testing. Allele origin: germline. Affected: yes.
Comment: Not observed at significant frequency in large population cohorts (gnomAD); In silico analysis supports that this missense variant has a deleterious effect on protein structure/function; Has not been previously published as pathogenic or benign to our knowledge